The following is an entry in ClinVar:

ClinVar aggregate classification (germline): Uncertain significance. Review status: criteria provided, multiple submitters, no conflicts (2 of 4 stars). 2 submissions from 2 submitters: Uncertain significance (2). Last evaluated 2024-11-26.

Conditions:
Fanconi anemia (FA). Also called: Fanconi's anemia. Identifiers: Orphanet 84, MedGen C0015625, MeSH D005199, MONDO:0019391.
Inborn genetic diseases. Identifiers: MedGen C0950123, MeSH D030342.

Submissions (2):

Ambry Genetics
Classification: Uncertain significance for Inborn genetic diseases. Last evaluated: 2024-11-26. Review status: criteria provided, single submitter. Criteria: Ambry Variant Classification Scheme 2023. Collection method: clinical testing. Allele origin: germline.
Comment: The p.M569V variant (also known as c.1705A>G), located in coding exon 18 of the FANCA gene, results from an A to G substitution at nucleotide position 1705. The methionine at codon 569 is replaced by valine, an amino acid with highly similar properties. This amino acid position is conserved. In addition, the in silico prediction for this alteration is inconclusive. Based on the available evidence, the clinical significance of this variant remains unclear.

Labcorp Genetics (formerly Invitae), Labcorp
Classification: Uncertain significance for Fanconi anemia. Last evaluated: 2022-10-18. Review status: criteria provided, single submitter. Criteria: Invitae Variant Classification Sherloc (09022015). Collection method: clinical testing. Allele origin: germline.
Comment: In summary, the available evidence is currently insufficient to determine the role of this variant in disease. Therefore, it has been classified as a Variant of Uncertain Significance. Advanced modeling of protein sequence and biophysical properties (such as structural, functional, and spatial information, amino acid conservation, physicochemical variation, residue mobility, and thermodynamic stability) performed at Invitae indicates that this missense variant is expected to disrupt FANCA protein function. This variant has not been reported in the literature in individuals affected with FANCA-related conditions. This variant is not present in population databases (gnomAD no frequency). This sequence change replaces methionine, which is neutral and non-polar, with valine, which is neutral and non-polar, at codon 569 of the FANCA protein (p.Met569Val).

NM_000135.4(FANCA):c.1705A>G (p.Met569Val)

Gene: FANCA (FA complementation group A; minus strand). Cytogenetic location: 16q24.3.
Variant type: single nucleotide variant.
Coding change: c.1705A>G on transcript NM_000135.4 (MANE Select); coding-DNA position 1705, A replaced by G.
Protein change: p.Met569Val; replaces methionine 569 with valine.
Molecular consequence: missense variant.
Genome position (GRCh38, 1-based): chr16:89,779,879, T>C on the plus strand (A>G on the coding strand, the complement: FANCA is on the minus strand). VCF-style: chr16-89779879-T-C. GRCh37 (hg19) VCF-style: chr16-89846287-T-C.
Other names: c.1705A>G, p.Met569Val (NM_001286167.3); short protein forms M569V.
Identifiers: ClinVar variation 1998520 (VCV001998520.5), dbSNP rs2544230778, ClinGen allele CA397455859.